The following is an entry in ClinVar:

NM_012414.4(RAB3GAP2):c.2171T>C (p.Leu724Pro)

Gene: RAB3GAP2 (RAB3 GTPase activating non-catalytic protein subunit 2; minus strand). Cytogenetic location: 1q41.
Variant type: single nucleotide variant.
Coding change: c.2171T>C on transcript NM_012414.4 (MANE Select); coding-DNA position 2171, T replaced by C.
Protein change: p.Leu724Pro; replaces leucine 724 with proline.
Molecular consequence: missense variant.
Genome position (GRCh38, 1-based): chr1:220,182,759, A>G on the plus strand (T>C on the coding strand, the complement: RAB3GAP2 is on the minus strand). VCF-style: chr1-220182759-A-G. GRCh37 (hg19) VCF-style: chr1-220356101-A-G.
Other names: short protein forms L724P.
Identifiers: ClinVar variation 1924180 (VCV001924180.5), dbSNP rs2528663261, ClinGen allele CA344642300.

ClinVar aggregate classification (germline): Uncertain significance (1 of 4 stars; one submission).

Conditions:
Warburg micro syndrome 2 (WARBM2). Also called: MICRO SYNDROME 2. Identifiers: Orphanet 2510, MedGen C3280214, MONDO:0013641, OMIM 614225.
Martsolf syndrome (MARTS). Also called: Congenital cataract with intellectual disability and hypogonadotropic hypogonadism syndrome. Identifiers: Orphanet 1387, MedGen C0796037, MONDO:0023910.

Allele frequency attached by ClinVar (database versions not stated): gnomAD exomes below 0.00001.
gnomAD v4.1: 3 of 1,611,462 alleles (0.00019%); highest among the groups gnomAD compares: Non-Finnish European, 0.00025%; no homozygotes.

Submission:

Labcorp Genetics (formerly Invitae), Labcorp
Classification: Uncertain significance for Martsolf syndrome; Warburg micro syndrome 2. Last evaluated: 2023-12-11. Review status: criteria provided, single submitter. Criteria: Invitae Variant Classification Sherloc (09022015). Collection method: clinical testing. Allele origin: germline.
Comment: This sequence change replaces leucine, which is neutral and non-polar, with proline, which is neutral and non-polar, at codon 724 of the RAB3GAP2 protein (p.Leu724Pro). This variant is not present in population databases (gnomAD no frequency). This variant has not been reported in the literature in individuals affected with RAB3GAP2-related conditions. ClinVar contains an entry for this variant (Variation ID: 1924180). Advanced modeling of protein sequence and biophysical properties (such as structural, functional, and spatial information, amino acid conservation, physicochemical variation, residue mobility, and thermodynamic stability) performed at Invitae indicates that this missense variant is not expected to disrupt RAB3GAP2 protein function with a negative predictive value of 80%. In summary, the available evidence is currently insufficient to determine the role of this variant in disease. Therefore, it has been classified as a Variant of Uncertain Significance.